The following is an entry in ClinVar:

ClinVar aggregate classification (germline): Uncertain significance (1 of 4 stars; one submission).

Submission:

Labcorp Genetics (formerly Invitae), Labcorp
Classification: Uncertain significance. Last evaluated: 2025-12-29. Review status: criteria provided, single submitter. Criteria: Invitae Variant Classification Sherloc (09022015). Collection method: clinical testing. Allele origin: germline.
Comment: This sequence change replaces methionine, which is neutral and non-polar, with isoleucine, which is neutral and non-polar, at codon 374 of the PLOD3 protein (p.Met374Ile). This variant is present in population databases (no rsID available, gnomAD 0.004%). This variant has not been reported in the literature in individuals affected with PLOD3-related conditions. An algorithm developed to predict the effect of missense changes on protein structure and function (PolyPhen-2) suggests that this variant is likely to be tolerated. In summary, the available evidence is currently insufficient to determine the role of this variant in disease. Therefore, it has been classified as a Variant of Uncertain Significance.

NM_001084.5(PLOD3):c.1122G>A (p.Met374Ile)

Gene: PLOD3 (procollagen-lysine,2-oxoglutarate 5-dioxygenase 3; minus strand). Cytogenetic location: 7q22.1.
Variant type: single nucleotide variant.
Coding change: c.1122G>A on transcript NM_001084.5 (MANE Select); coding-DNA position 1122, G replaced by A.
Protein change: p.Met374Ile; replaces methionine 374 with isoleucine.
Molecular consequence: missense variant.
Genome position (GRCh38, 1-based): chr7:101,212,258, C>T on the plus strand (G>A on the coding strand, the complement: PLOD3 is on the minus strand). VCF-style: chr7-101212258-C-T. GRCh37 (hg19) VCF-style: chr7-100855539-C-T.
Other names: short protein forms M374I.
Identifiers: ClinVar variation 4774097 (VCV004774097.1).
Genomic context (GRCh38, chr7:101,212,258, plus strand): 5'-ACCCCTGACCCTACAGCCTCATCCCACCCTCTCCTCCCCGCAAGCACCCGCTCACATGGC[C>T]ATGTCCCTGGCCTCGCCTGGGCTCAGAGCCTCCTCCGGCCCCACGAGCTTCACAGCTGAG-3'
Protein context (NP_001075.1, residues 364-384): EALSPGEARD[Met374Ile]AMDLCRQDPE